The following is an entry in ClinVar:

NM_138348.6(OTULIN):c.12dup (p.Thr5fs)

Gene: OTULIN (OTU deubiquitinase with linear linkage specificity; plus strand). Cytogenetic location: 5p15.2.
Variant type: Duplication.
Coding change: c.12dup on transcript NM_138348.6 (MANE Select); coding-DNA position 12, one base duplicated (G; older notation c.12dupG).
Protein change: p.Thr5fs; shifts the reading frame from threonine 5.
Molecular consequence: frameshift variant.
Genome position (GRCh38, 1-based): chr5:14,664,837, G duplicated; the last of 5 consecutive G bases (chr5:14,664,833-14,664,837); duplicating any one gives the same sequence. VCF-style (leftmost placement, unchanged base first): chr5-14664832-C-CG. GRCh37 (hg19) VCF-style: chr5-14664941-C-CG.
Other names: short protein forms T5fs.
Identifiers: ClinVar variation 1421103 (VCV001421103.6), dbSNP rs944974101, ClinGen allele CA114003866.

ClinVar aggregate classification (germline): Uncertain significance (1 of 4 stars; one submission).

Submission:

Labcorp Genetics (formerly Invitae), Labcorp
Classification: Uncertain significance. Last evaluated: 2023-08-04. Review status: criteria provided, single submitter. Criteria: Invitae Variant Classification Sherloc (09022015). Collection method: clinical testing. Allele origin: germline.
Comment: This sequence change creates a premature translational stop signal (p.Thr5Aspfs*48) in the OTULIN gene. It is expected to result in an absent or disrupted protein product. However, the current clinical and genetic evidence is not sufficient to establish whether loss-of-function variants in OTULIN cause disease. In summary, the available evidence is currently insufficient to determine the role of this variant in disease. Therefore, it has been classified as a Variant of Uncertain Significance. ClinVar contains an entry for this variant (Variation ID: 1421103). This variant has not been reported in the literature in individuals affected with OTULIN-related conditions. This variant is not present in population databases (gnomAD no frequency).